The following is an entry in ClinVar:

ClinVar aggregate classification (germline): Uncertain significance (1 of 4 stars; one submission).

Conditions:
Cardiovascular phenotype. Identifiers: MedGen CN230736.

Submission:

Ambry Genetics
Classification: Uncertain significance for Cardiovascular phenotype. Last evaluated: 2024-11-27. Review status: criteria provided, single submitter. Criteria: Ambry Variant Classification Scheme 2023. Collection method: clinical testing. Allele origin: germline.
Comment: The c.1128+3_1128+4delGCinsTT intronic variant begins 3 nucleotides after coding exon 8 in the KCNQ1 gene. This variant results from a deletion of 2 nucleotides and insertion of 2 nucleotides at positions c.1128+3 and c.1128+4. These nucleotide positions are not well conserved in available vertebrate species. In silico splice site analysis predicts that this alteration may weaken the native splice donor site. Based on the available evidence, the clinical significance of this variant remains unclear.

NM_000218.3(KCNQ1):c.1128+3_1128+4delinsTT

Gene: KCNQ1 (potassium voltage-gated channel subfamily Q member 1; plus strand). Cytogenetic location: 11p15.5.
Variant type: Indel.
Coding change: c.1128+3_1128+4delinsTT on transcript NM_000218.3 (MANE Select); bases 3 to 4 of the intron after coding-DNA position 1128, GC replaced by TT.
Molecular consequence: intron variant.
Genome position (GRCh38, 1-based): chr11:2,585,310-2,585,311, GC replaced by TT. VCF-style: chr11-2585310-GC-TT. GRCh37 (hg19) VCF-style: chr11-2606540-GC-TT.
Other names: c.858+3_858+4delinsTT (NM_001406837.1); c.1032+1765_1032+1766delinsTT (NM_001406836.1); c.588+1765_588+1766delinsTT (NM_001406838.1); c.747+3_747+4delinsTT (NM_181798.2).
Identifiers: ClinVar variation 3532643 (VCV003532643.1).